The following is an entry in ClinVar:

ClinVar aggregate classification (germline): Uncertain significance (0 of 4 stars; one submission).

Conditions:
LEPR-related disorder. Also called: LEPR-related condition; LEPR-related disorders.

gnomAD v4.1: 2 of 1,612,698 alleles (0.00012%); highest among the groups gnomAD compares: East Asian, 0.0045%; no homozygotes.

Submission:

PreventionGenetics, part of Exact Sciences
Classification: Uncertain significance for LEPR-related condition. Last evaluated: 2024-06-08. Review status: no assertion criteria provided. Collection method: clinical testing. Allele origin: germline.
Comment: The LEPR c.815A>T variant is predicted to result in the amino acid substitution p.Lys272Ile. This variant was reported in an individual with isolated hypogonadotropic hypogonadism (Supplementary Table 3. Zhou et al. 2018. PubMed ID: 30098700). This variant was also observed in a cohort of individuals with obesity, and in vitro functional studies showed function similar to wild-type levels (Supplemental Data Set, Shah et al. 2023. PubMed ID: 36864747). This variant is reported in 0.011% of alleles in individuals of East Asian descent in gnomAD. At this time, the clinical significance of this variant is uncertain due to the absence of conclusive functional and genetic evidence.

NM_002303.6(LEPR):c.815A>T (p.Lys272Ile)

Gene: LEPR (leptin receptor; plus strand). Cytogenetic location: 1p31.3.
Variant type: single nucleotide variant.
Coding change: c.815A>T on transcript NM_002303.6 (MANE Select); coding-DNA position 815, A replaced by T.
Protein change: p.Lys272Ile; replaces lysine 272 with isoleucine.
Molecular consequence: missense variant.
Genome position (GRCh38, 1-based): chr1:65,596,559, A>T. VCF-style: chr1-65596559-A-T. GRCh37 (hg19) VCF-style: chr1-66062242-A-T.
Other names: c.815A>T, p.Lys272Ile (NM_001003679.3, NM_001003680.3, NM_001198687.2 and 2 more transcripts); short protein forms K272I.
Identifiers: ClinVar variation 3353609 (VCV003353609.1).
Genomic context (GRCh38, chr1:65,596,559, plus strand): 5'-ATTTAAAGATTTCTTGGTCCAGCCCACCATTGGTACCATTTCCACTTCAATATCAAGTGA[A>T]ATATTCAGAGAATTCTACAACAGTTATCAGAGAAGTAAGTATATTTTAGTAAGTAAAAGG-3'
Protein context (NP_002294.2, residues 262-282): LVPFPLQYQV[Lys272Ile]YSENSTTVIR